The following is an entry in ClinVar:

NM_022124.6(CDH23):c.6636C>T (p.Val2212=)

Gene: CDH23 (cadherin related 23; plus strand). Cytogenetic location: 10q22.1.
Variant type: single nucleotide variant.
Coding change: c.6636C>T on transcript NM_022124.6 (MANE Select); coding-DNA position 6636, C replaced by T.
Protein change: p.Val2212=; no amino-acid change (valine 2212 retained).
Molecular consequence: synonymous variant.
Genome position (GRCh38, 1-based): chr10:71,793,564, C>T. VCF-style: chr10-71793564-C-T. GRCh37 (hg19) VCF-style: chr10-73553321-C-T.
Identifiers: ClinVar variation 512851 (VCV000512851.12), dbSNP rs745528904, ClinGen allele CA5546135.

ClinVar aggregate classification (germline): Likely benign. Review status: criteria provided, multiple submitters, no conflicts (2 of 4 stars). 3 submissions from 3 submitters: Likely benign (3). Last evaluated 2026-01-26.

Conditions:
CDH23-related disorder. Also called: CDH23-related condition; CDH23-related disorders.

Allele frequency attached by ClinVar (database versions not stated): gnomAD 0.00003; TOPMed 0.00005.
gnomAD v4.1: 24 of 1,612,804 alleles (0.0015%); highest among the groups gnomAD compares: Middle Eastern, 0.016%; no homozygotes.

Submissions (3):

Labcorp Genetics (formerly Invitae), Labcorp
Classification: Likely benign. Last evaluated: 2026-01-26. Review status: criteria provided, single submitter. Criteria: Invitae Variant Classification Sherloc (09022015). Collection method: clinical testing. Allele origin: germline.

PreventionGenetics, part of Exact Sciences
Classification: Likely benign for CDH23-related condition. Last evaluated: 2024-11-14. Review status: criteria provided, single submitter. Criteria: ACMG Guidelines, 2015. Collection method: clinical testing. Allele origin: germline.
Comment: This variant is classified as likely benign based on ACMG/AMP sequence variant interpretation guidelines (Richards et al. 2015 PMID: 25741868, with internal and published modifications).

GeneDx
Classification: Likely benign. Last evaluated: 2017-10-26. Review status: criteria provided, single submitter. Criteria: GeneDx Variant Classification (06012015). Collection method: clinical testing. Allele origin: germline. Affected: yes.
Comment: This variant is considered likely benign or benign based on one or more of the following criteria: it is a conservative change, it occurs at a poorly conserved position in the protein, it is predicted to be benign by multiple in silico algorithms, and/or has population frequency not consistent with disease.